The following is an entry in ClinVar:

NM_022356.4(P3H1):c.272G>C (p.Trp91Ser)

Genes: P3H1 (prolyl 3-hydroxylase 1; minus strand), LOC129930352 (ATAC-STARR-seq lymphoblastoid silent region 767; plus strand). Cytogenetic location: 1p34.2.
Variant type: single nucleotide variant.
Coding change: c.272G>C on transcript NM_022356.4 (MANE Select); coding-DNA position 272, G replaced by C.
Protein change: p.Trp91Ser; replaces tryptophan 91 with serine.
Molecular consequence: missense variant.
Genome position (GRCh38, 1-based): chr1:42,766,700, C>G on the plus strand (G>C on the coding strand, the complement: P3H1 is on the minus strand). VCF-style: chr1-42766700-C-G. GRCh37 (hg19) VCF-style: chr1-43232371-C-G.
Other names: c.272G>C, p.Trp91Ser (NM_001146289.2, NM_001243246.2); short protein forms W91S.
Identifiers: ClinVar variation 1506695 (VCV001506695.8), dbSNP rs2124175198, ClinGen allele CA339963776.

ClinVar aggregate classification (germline): Uncertain significance (1 of 4 stars; one submission).

Conditions:
Osteogenesis imperfecta type 8 (OI8). Identifiers: MedGen C1970458, MONDO:0012581, OMIM 610915.

Submission:

Labcorp Genetics (formerly Invitae), Labcorp
Classification: Uncertain significance for Osteogenesis imperfecta type 8. Last evaluated: 2021-05-29. Review status: criteria provided, single submitter. Criteria: Invitae Variant Classification Sherloc (09022015). Collection method: clinical testing. Allele origin: germline.
Comment: In summary, the available evidence is currently insufficient to determine the role of this variant in disease. Therefore, it has been classified as a Variant of Uncertain Significance. Algorithms developed to predict the effect of missense changes on protein structure and function output the following: SIFT: "Tolerated"; PolyPhen-2: "Benign"; Align-GVGD: "Class C0". The serine amino acid residue is found in multiple mammalian species, suggesting that this missense change does not adversely affect protein function. These predictions have not been confirmed by published functional studies and their clinical significance is uncertain. This variant has not been reported in the literature in individuals with P3H1-related conditions. The frequency data for this variant in the population databases is considered unreliable, as metrics indicate insufficient coverage at this position in the ExAC database. This sequence change replaces tryptophan with serine at codon 91 of the P3H1 protein (p.Trp91Ser). The tryptophan residue is weakly conserved and there is a large physicochemical difference between tryptophan and serine.